The following is an entry in ClinVar:

NM_001025603.2(RFX5):c.59G>C (p.Gly20Ala)

Gene: RFX5 (regulatory factor X5; minus strand). Cytogenetic location: 1q21.3.
Variant type: single nucleotide variant.
Coding change: c.59G>C on transcript NM_001025603.2 (MANE Select); coding-DNA position 59, G replaced by C.
Protein change: p.Gly20Ala; replaces glycine 20 with alanine.
Molecular consequence: missense variant.
Genome position (GRCh38, 1-based): chr1:151,346,262, C>G on the plus strand (G>C on the coding strand, the complement: RFX5 is on the minus strand). VCF-style: chr1-151346262-C-G. GRCh37 (hg19) VCF-style: chr1-151318738-C-G.
Other names: c.59G>C, p.Gly20Ala (NM_000449.4, NM_001379412.1, NM_001379413.1 and 7 more transcripts); short protein forms G20A.
Identifiers: ClinVar variation 874654 (VCV000874654.12), dbSNP rs376672819, ClinGen allele CA1089964.

ClinVar aggregate classification (germline): Uncertain significance. Review status: criteria provided, multiple submitters, no conflicts (2 of 4 stars). 5 submissions from 5 submitters: Uncertain significance (5). Last evaluated 2025-08-15.

Conditions:
MHC class II deficiency. Also called: Bare lymphocyte syndrome 2; BLS, TYPE II. Identifiers: Orphanet 572, MedGen C5447452, MONDO:0008855.

Allele frequency attached by ClinVar (database versions not stated): ExAC 0.00001; gnomAD exomes 0.00001 and 0.00005; gnomAD 0.00002; TOPMed 0.00006; ESP Exome Variant Server 0.00015.

Submissions (5):

Labcorp Genetics (formerly Invitae), Labcorp
Classification: Uncertain significance for MHC class II deficiency. Last evaluated: 2025-08-15. Review status: criteria provided, single submitter. Criteria: Invitae Variant Classification Sherloc (09022015). Collection method: clinical testing. Allele origin: germline.
Comment: This sequence change replaces glycine, which is neutral and non-polar, with alanine, which is neutral and non-polar, at codon 20 of the RFX5 protein (p.Gly20Ala). This variant is present in population databases (rs376672819, gnomAD 0.002%). This variant has not been reported in the literature in individuals affected with RFX5-related conditions. ClinVar contains an entry for this variant (Variation ID: 874654). An algorithm developed to predict the effect of missense changes on protein structure and function (PolyPhen-2) suggests that this variant is likely to be tolerated. In summary, the available evidence is currently insufficient to determine the role of this variant in disease. Therefore, it has been classified as a Variant of Uncertain Significance.

Ambry Genetics
Classification: Uncertain significance. Last evaluated: 2024-10-01. Review status: criteria provided, single submitter. Criteria: Ambry Variant Classification Scheme 2023. Collection method: clinical testing. Allele origin: germline.

Genome-Nilou Lab
Classification: Uncertain significance for MHC class II deficiency 1. Last evaluated: 2023-04-11. Review status: criteria provided, single submitter. Criteria: ACMG Guidelines, 2015. Collection method: clinical testing. Allele origin: germline. Affected: no.

Blueprint Genetics
Classification: Uncertain significance. Last evaluated: 2021-11-08. Review status: criteria provided, single submitter. Criteria: ACMG Guidelines, 2015. Collection method: clinical testing. Allele origin: germline.

Illumina Laboratory Services, Illumina
Classification: Uncertain significance for MHC class II deficiency 1. Last evaluated: 2017-04-27. Review status: criteria provided, single submitter. Criteria: ICSL Variant Classification Criteria 13 December 2019. Collection method: clinical testing. Allele origin: germline.